The following is an entry in ClinVar:

NM_004360.5(CDH1):c.480del (p.Ile161fs)

Gene: CDH1 (cadherin 1; plus strand). Cytogenetic location: 16q22.1.
Variant type: Deletion.
Coding change: c.480del on transcript NM_004360.5 (MANE Select); coding-DNA position 480, one base deleted (C; older notation c.480delC).
Protein change: p.Ile161fs; shifts the reading frame from isoleucine 161.
Molecular consequence: frameshift variant. On other transcripts: 5 prime UTR variant (2).
Genome position (GRCh38, 1-based): chr16:68,808,516, C deleted; the last of 3 consecutive C bases (chr16:68,808,514-68,808,516); deleting any one gives the same sequence. VCF-style (leftmost placement, unchanged base first): chr16-68808513-TC-T. GRCh37 (hg19) VCF-style: chr16-68842416-TC-T.
Other names: c.480del, p.Ile161fs (NM_001317184.2); c.-1136del (NM_001317185.2); c.-1340del (NM_001317186.2); c.480delC (NM_004360.5); short protein forms I161fs.
Identifiers: ClinVar variation 4526018 (VCV004526018.1), dbSNP rs2152129745.

ClinVar aggregate classification (germline): Pathogenic (1 of 4 stars; one submission).

Conditions:
Hereditary diffuse gastric adenocarcinoma (HDGC). Also called: DIFFUSE GASTRIC AND LOBULAR BREAST CANCER SYNDROME. Identifiers: Orphanet 26106, MedGen C1708349, MONDO:0007648, OMIM 137215.

Submission:

Women's Health and Genetics/Laboratory Corporation of America, LabCorp
Classification: Pathogenic for Hereditary diffuse gastric adenocarcinoma. Last evaluated: 2025-07-09. Review status: criteria provided, single submitter. Criteria: LabCorp Variant Classification Summary - May 2015. Collection method: clinical testing. Allele origin: germline.
Comment: Variant summary: CDH1 c.480delC (p.Ile161SerfsX54) results in a premature termination codon, predicted to cause a truncation of the encoded protein or absence of the protein due to nonsense mediated decay, which are commonly known mechanisms for disease. The variant was absent in 251412 control chromosomes. c.480delC has been observed in at least one individual affected with Invasive lobular breast carcinoma (e.g. Christgen_2022). To our knowledge, no experimental evidence demonstrating an impact on protein function has been reported. The following publication has been ascertained in the context of this evaluation (PMID: 34889530). No submitters have cited clinical-significance assessments for this variant to ClinVar. Based on the evidence outlined above, the variant was classified as pathogenic.

Literature cited by the submitters: PubMed 34889530.